The following is an entry in ClinVar:

ClinVar aggregate classification (germline): Uncertain significance (1 of 4 stars; one submission).

Conditions:
Inborn genetic diseases. Identifiers: MedGen C0950123, MeSH D030342.

Allele frequency attached by ClinVar (database versions not stated): gnomAD 0.00001; gnomAD exomes 0.00002; ExAC 0.00043.
gnomAD v4.1: 27 of 1,505,218 alleles (0.0018%); highest among the groups gnomAD compares: South Asian, 0.02%; no homozygotes.

Submission:

Ambry Genetics
Classification: Uncertain significance for Inborn genetic diseases. Last evaluated: 2021-08-02. Review status: criteria provided, single submitter. Criteria: Ambry Variant Classification Scheme 2023. Collection method: clinical testing. Allele origin: germline.
Comment: The p.D255N variant (also known as c.763G>A), located in coding exon 1 of the SMAD6 gene, results from a G to A substitution at nucleotide position 763. The aspartic acid at codon 255 is replaced by asparagine, an amino acid with highly similar properties. This amino acid position is conserved. In addition, this alteration is predicted to be tolerated by in silico analysis. Since supporting evidence is limited at this time, the clinical significance of this alteration remains unclear.

NM_005585.5(SMAD6):c.763G>A (p.Asp255Asn)

Gene: SMAD6 (SMAD family member 6; plus strand). Cytogenetic location: 15q22.31.
Variant type: single nucleotide variant.
Coding change: c.763G>A on transcript NM_005585.5 (MANE Select); coding-DNA position 763, G replaced by A.
Protein change: p.Asp255Asn; replaces aspartic acid 255 with asparagine.
Molecular consequence: missense variant. On other transcripts: non-coding transcript variant (1).
Genome position (GRCh38, 1-based): chr15:66,704,021, G>A. VCF-style: chr15-66704021-G-A. GRCh37 (hg19) VCF-style: chr15-66996359-G-A.
Other names: short protein forms D255N.
Identifiers: ClinVar variation 1759935 (VCV001759935.2), dbSNP rs762676442, ClinGen allele CA7626525.